The following is an entry in ClinVar:

ClinVar aggregate classification (germline): Pathogenic (1 of 4 stars; one submission).

Conditions:
Hypertrophic cardiomyopathy 4. Also called: Familial hypertrophic cardiomyopathy 4. Identifiers: MedGen C1861862, MONDO:0007268, OMIM 115197.

Submission:

Illumina Laboratory Services, Illumina
Classification: Pathogenic for Hypertrophic cardiomyopathy 4. Last evaluated: 2023-05-05. Review status: criteria provided, single submitter. Criteria: ICSLVariantClassificationCriteria RUGD 01 April 2020. Collection method: clinical testing. Allele origin: unknown.
Comment: The MYBPC3 c.1302C>G (p.Tyr434Ter) nonsense variant is expected to result in the loss of normal protein function through either protein truncation or nonsense-mediated mRNA decay. Two other nucleotide changes that also result in the p.Tyr434Ter variant have been reported in at least three unrelated individuals with hypertrophic cardiomyopathy (PMID: 25351510; 26656175; 34400558; 28615295; 24704860). This variant is not observed in version 2.1.1 or version 3.1.2 of the Genome Aggregation Database. Based on the available evidence, the c.1302C>G (p.Tyr434Ter) variant is classified as pathogenic for hypertrophic cardiomyopathy.

Literature cited by the submitters: PubMed 25351510; PubMed 34400558; PubMed 24704860; PubMed 26656175; PubMed 28615295.

NM_000256.3(MYBPC3):c.1302C>G (p.Tyr434Ter)

Gene: MYBPC3 (myosin binding protein C3; minus strand). Cytogenetic location: 11p11.2.
Variant type: single nucleotide variant.
Coding change: c.1302C>G on transcript NM_000256.3 (MANE Select); coding-DNA position 1302, C replaced by G.
Protein change: p.Tyr434Ter; replaces tyrosine 434 with a stop codon.
Molecular consequence: nonsense.
Genome position (GRCh38, 1-based): chr11:47,343,070, G>C on the plus strand (C>G on the coding strand, the complement: MYBPC3 is on the minus strand). VCF-style: chr11-47343070-G-C. GRCh37 (hg19) VCF-style: chr11-47364621-G-C.
Other names: short protein forms Y434*.
Identifiers: ClinVar variation 2572994 (VCV002572994.1), dbSNP rs190228518, ClinGen allele CA380327146.